The following is an entry in ClinVar:

ClinVar aggregate classification (germline): Uncertain significance (1 of 4 stars; one submission).

Conditions:
Parenti-mignot neurodevelopmental syndrome. Identifiers: MedGen C5676984, MONDO:0859249, OMIM 619873.

Allele frequency attached by ClinVar (database versions not stated): gnomAD exomes 0.00001; TOPMed 0.00001.
gnomAD v4.1: 20 of 1,613,918 alleles (0.0012%); highest among the groups gnomAD compares: South Asian, 0.0033%; no homozygotes.

Submission:

Neuberg Centre For Genomic Medicine, NCGM
Classification: Uncertain significance for Parenti-mignot neurodevelopmental syndrome. Last evaluated: 2023-03-01. Review status: criteria provided, single submitter. Criteria: ACMG Guidelines, 2015. Collection method: clinical testing. Allele origin: germline. Inheritance: Autosomal dominant inheritance. Affected: yes.
Comment: The missense c.4010G>A(p.Arg1337His) variant in CHD5 gene has not been reported previously as a pathogenic variant nor a benign variant, to our knowledge. The p.Arg1337His variant has been reported with allele frequency of 0.0004% in gnomAD Exomes and is novel (not in any individuals) in 1000 Genomes. This variant has not been reported to the ClinVar database. The amino acid change p.Arg1337His in CHD5 is predicted as conserved by GERP++ and PhyloP across 100 vertebrates. The amino acid Arg at position 1337 is changed to a His changing protein sequence and it might alter its composition and physico-chemical properties. For these reasons, this variant has been classified as a Variant of Uncertain Significance (VUS).

NM_015557.3(CHD5):c.4010G>A (p.Arg1337His)

Gene: CHD5 (chromodomain helicase DNA binding protein 5; minus strand). Cytogenetic location: 1p36.31.
Variant type: single nucleotide variant.
Coding change: c.4010G>A on transcript NM_015557.3 (MANE Select); coding-DNA position 4010, G replaced by A.
Protein change: p.Arg1337His; replaces arginine 1337 with histidine.
Molecular consequence: missense variant.
Genome position (GRCh38, 1-based): chr1:6,126,640, C>T on the plus strand (G>A on the coding strand, the complement: CHD5 is on the minus strand). VCF-style: chr1-6126640-C-T. GRCh37 (hg19) VCF-style: chr1-6186700-C-T.
Other names: short protein forms R1337H.
Identifiers: ClinVar variation 2671663 (VCV002671663.1), dbSNP rs1333610393, ClinGen allele CA338073736.